The following is an entry in ClinVar:

ClinVar aggregate classification (germline): Conflicting classifications of pathogenicity. Review status: criteria provided, conflicting classifications (1 of 4 stars). 22 submissions from 22 submitters: Uncertain significance (7); Benign (1); Likely benign (11). 3 of the submissions do not count toward it. Last evaluated 2026-01-13.

Conditions:
Classic or attenuated familial adenomatous polyposis. Identifiers: MedGen CN372698, MONDO:0021057.
APC-related disorder. Also called: APC-related condition.
Colorectal adenoma. Identifiers: MedGen C1302401, MONDO:0005484.
Hereditary cancer-predisposing syndrome. Also called: Hereditary neoplastic syndrome; Tumor predisposition; Hereditary Cancer Syndrome; Neoplastic Syndromes, Hereditary. Identifiers: Orphanet 140162, MedGen C0027672, MeSH D009386, MONDO:0015356.
Familial adenomatous polyposis 1 (FAP1). Also called: FAMILIAL ADENOMATOUS POLYPOSIS 1, ATTENUATED; POLYPOSIS, ADENOMATOUS INTESTINAL. Identifiers: MedGen C2713442, MONDO:0021056, OMIM 175100. Disease mechanism: loss of function.

Allele frequency attached by ClinVar (database versions not stated): ExAC 0.00010; TOPMed 0.00014; gnomAD 0.00015 and 0.00017; ESP Exome Variant Server 0.00023.

Submissions 1 to 16 of 22:

Labcorp Genetics (formerly Invitae), Labcorp
Classification: Likely benign for Familial adenomatous polyposis 1. Last evaluated: 2026-01-13. Review status: criteria provided, single submitter. Criteria: Invitae Variant Classification Sherloc (09022015). Collection method: clinical testing. Allele origin: germline.

Center for Genomic Medicine, Rigshospitalet, Copenhagen University Hospital
Classification: Likely benign. Last evaluated: 2025-12-29. Review status: criteria provided, single submitter. Criteria: ACMG Guidelines, 2015. Collection method: clinical testing. Allele origin: germline.
Comment: Classification criteria: BS1

Color Diagnostics, LLC DBA Color Health
Classification: Likely benign for Hereditary cancer-predisposing syndrome. Last evaluated: 2025-12-10. Review status: criteria provided, single submitter. Criteria: ACMG Guidelines, 2015. Collection method: clinical testing. Allele origin: germline.

Women's Health and Genetics/Laboratory Corporation of America, LabCorp
Classification: Likely benign. Last evaluated: 2025-11-28. Review status: criteria provided, single submitter. Criteria: LabCorp Variant Classification Summary - May 2015. Collection method: clinical testing. Allele origin: germline.
Comment: Variant summary: APC c.3479C>A (p.Thr1160Lys) results in a non-conservative amino acid change located in the one of the 15 residue repeat domains (IPR009240) of the encoded protein sequence. Algorithms developed to predict the effect of missense changes on protein structure and function all suggest that this variant is likely to be disruptive. The variant allele was found at a frequency of 9.6e-05 in 250788 control chromosomes, predominantly at a frequency of 0.00021 within the Non-Finnish European subpopulation in the gnomAD database. The observed variant frequency within Non-Finnish European control individuals in the gnomAD database exceeds the estimated maximal expected allele frequency for disease-causing variants in APC. c.3479C>A has been reported in the literature in individuals affected with non-FAP non-MAP colorectal adenomas (example, Azzopardi 2008), in a family with colorectal cancer without polyps (example, Raskin 2017) and as a VUS in settings of multigene panel testing performed in an individual with Serrated Polyposis Syndrome (SPS) (example, Murphy_2022). These report(s) do not provide unequivocal conclusions about association of the variant with Familial Adenomatous Polyposis. To our knowledge, no experimental evidence demonstrating an impact on protein function has been reported. The following publications have been ascertained in the context of this evaluation (PMID: 22703879, 18199528, 26580448, 29212164, 35128723). ClinVar contains an entry for this variant (Variation ID: 41503). Based on the evidence outlined above, the variant was classified as likely benign.

PreventionGenetics, part of Exact Sciences
Classification: Likely benign for APC-related condition. Last evaluated: 2025-09-19. Review status: criteria provided, single submitter. Criteria: ACMG Guidelines, 2015. Collection method: clinical testing. Allele origin: germline.
Comment: This variant is classified as likely benign based on ACMG/AMP sequence variant interpretation guidelines (Richards et al. 2015 PMID: 25741868, with internal and published modifications).

Myriad Genetics, Inc.
Classification: Likely benign for Familial adenomatous polyposis 1. Last evaluated: 2025-02-04. Review status: criteria provided, single submitter. Criteria: Myriad Autosomal Dominant, Autosomal Recessive and X-Linked Classification Criteria (2023). Collection method: clinical testing. Allele origin: unknown.
Comment: This variant is considered likely benign. This variant has been observed at a population frequency that is significantly greater than expected given the associated disease prevalence and penetrance.

ARUP Laboratories, Molecular Genetics and Genomics, ARUP Laboratories
Classification: Likely benign. Last evaluated: 2024-12-07. Review status: criteria provided, single submitter. Criteria: ARUP Molecular Germline Variant Investigation Process 2024. Collection method: clinical testing. Allele origin: germline.

All of Us Research Program, National Institutes of Health
Classification: Uncertain significance for Classic or attenuated familial adenomatous polyposis. Last evaluated: 2024-09-23. Review status: criteria provided, single submitter. Criteria: ACMG Guidelines, 2015. Collection method: clinical testing. Allele origin: germline. Inheritance: Autosomal dominant inheritance. Observed: 54 variant alleles, 54 heterozygotes.
Comment: This missense variant replaces threonine with lysine at codon 1160 of the APC protein. Computational prediction is inconclusive regarding the impact of this variant on protein structure and function (internally defined REVEL score threshold 0.5 < inconclusive < 0.7, PMID: 27666373). Splice site prediction tools suggest that this variant may not impact RNA splicing. To our knowledge, functional studies have not been performed for this variant. This variant has been reported in one individual each affected with familial adenomatous polyposis (PMID: 18199528), colorectal cancer (PMID: 29212164), serrated polyposis syndrome (PMID: 35128723), breast cancer (PMID: 29684080) and in an individual(s) with an unspecified cancer (PMID: 28873162). This variant has also been observed in multiple individuals in the general population who were selected for phenotypes not directly related to cancer (PMID: 22703879, 25637381). This variant has been identified in 32/282180 chromosomes in the general population by the Genome Aggregation Database (gnomAD). The available evidence is insufficient to determine the role of this variant in disease conclusively. Therefore, this variant is classified as a Variant of Uncertain Significance.

This study involves interpretation of variants in research participants for the purpose of population health screening. Participant phenotype was not available at the time of variant classification. Additional details can be found in publication PMID: 35346344, PMCID: PMC8962531

Molecular Pathology, Peter Maccallum Cancer Centre
Classification: Likely benign for Familial adenomatous polyposis 1. Last evaluated: 2024-04-22. Review status: criteria provided, single submitter. Criteria: ACMG Guidelines, 2015. Collection method: clinical testing. Allele origin: germline. Inheritance: Autosomal dominant inheritance.

Blueprint Genetics
Classification: Likely benign. Last evaluated: 2024-01-24. Review status: criteria provided, single submitter. Criteria: ACMG Guidelines, 2015. Collection method: clinical testing. Allele origin: germline.

Quest Diagnostics Nichols Institute San Juan Capistrano
Classification: Likely benign. Last evaluated: 2023-08-03. Review status: criteria provided, single submitter. Criteria: Quest Diagnostics criteria. Collection method: clinical testing. Allele origin: unknown.

Mayo Clinic Laboratories, Mayo Clinic
Classification: Uncertain significance. Last evaluated: 2023-06-21. Review status: criteria provided, single submitter. Criteria: ACMG Guidelines, 2015. Collection method: clinical testing. Allele origin: germline. Observed: 3 variant alleles.
Comment: BS1

Department of Pathology and Laboratory Medicine, Sinai Health System
Classification: Uncertain significance for classic or attenuated familial adenomatous polyposis. Last evaluated: 2023-01-05. Review status: criteria provided, single submitter. Criteria: ACMG Guidelines, 2015. Collection method: clinical testing. Allele origin: germline. Affected: yes.

Revvity Omics, Revvity
Classification: Uncertain significance. Last evaluated: 2022-06-16. Review status: criteria provided, single submitter. Criteria: ACMG Guidelines, 2015. Collection method: clinical testing. Allele origin: germline.

GeneDx
Classification: Uncertain significance. Last evaluated: 2022-06-14. Review status: criteria provided, single submitter. Criteria: GeneDx Variant Classification Process June 2021. Collection method: clinical testing. Allele origin: germline. Affected: yes.
Comment: In silico analysis supports that this missense variant does not alter protein structure/function; Observed in individuals with a personal history of colorectal adenomas or colorectal cancer (Azzopardi et al., 2008; Raskin et al., 2017); This variant is associated with the following publications: (PMID: 33918692, Biswas2021[abstract], 22703879, 25637381, 21859464, 18199528, 27150160, 27600092, 29212164, 28873162, 30709382, 35128723, 26580448, 35145771)

Sema4
Classification: Uncertain significance for Hereditary cancer-predisposing syndrome. Last evaluated: 2022-01-27. Review status: criteria provided, single submitter. Criteria: Sema4 Curation Guidelines. Collection method: curation. Allele origin: germline.
Comment: The APC c.3479C>A (p.T1160K) variant has been reported in individuals with multiple colorectal adenomas and/or colorectal cancer (PMID: 18199528, 29212164). It was observed in 30/128808 chromosomes of the Non-Finnish European subpopulation, with no homozygotes, in the large and broad cohorts of the Genome Aggregation Database (PMID: 32461654). This variant has been reported in ClinVar (Variation ID 41503). Functional studies have not been performed, and in silico predictions of the variant's effect on protein function are inconclusive. The evidence is insufficient to meet ACMG/AMP criteria for classifying the variant as benign or pathogenic. Thus, the clinical significance of this variant is currently uncertain.

NM_000038.6(APC):c.3479C>A (p.Thr1160Lys)

Gene: APC (APC regulator of Wnt signaling pathway; plus strand). Cytogenetic location: 5q22.2.
Variant type: single nucleotide variant.
Coding change: c.3479C>A on transcript NM_000038.6 (MANE Select); coding-DNA position 3479, C replaced by A.
Protein change: p.Thr1160Lys; replaces threonine 1160 with lysine.
Molecular consequence: missense variant.
Genome position (GRCh38, 1-based): chr5:112,839,073, C>A. VCF-style: chr5-112839073-C-A. GRCh37 (hg19) VCF-style: chr5-112174770-C-A.
Other names: p.T1160K:ACA>AAA; c.3479C>A, p.Thr1160Lys (NM_001127510.3, NM_001354895.2); c.3425C>A, p.Thr1142Lys (NM_001127511.3); c.3533C>A, p.Thr1178Lys (NM_001354896.2); c.3509C>A, p.Thr1170Lys (NM_001354897.2); c.3404C>A, p.Thr1135Lys (NM_001354898.2); c.3395C>A, p.Thr1132Lys (NM_001354899.2); c.3356C>A, p.Thr1119Lys (NM_001354900.2); and 6 more; short protein forms T1160K, T1142K, T1034K, T1069K, T1101K, T1170K, T1000K, T1059K.
Identifiers: ClinVar variation 41503 (VCV000041503.61), dbSNP rs201004111, ClinGen allele CA008452.